The following is an entry in ClinVar:

NM_017882.3(CLN6):c.135C>T (p.Leu45=)

Gene: CLN6 (CLN6 transmembrane ER protein; minus strand). Cytogenetic location: 15q23.
Variant type: single nucleotide variant.
Coding change: c.135C>T on transcript NM_017882.3 (MANE Select); coding-DNA position 135, C replaced by T.
Protein change: p.Leu45=; no amino-acid change (leucine 45 retained).
Molecular consequence: synonymous variant.
Genome position (GRCh38, 1-based): chr15:68,218,599, G>A on the plus strand (C>T on the coding strand, the complement: CLN6 is on the minus strand). VCF-style: chr15-68218599-G-A. GRCh37 (hg19) VCF-style: chr15-68510937-G-A.
Identifiers: ClinVar variation 377694 (VCV000377694.13), dbSNP rs374577694, ClinGen allele CA7630703.

ClinVar aggregate classification (germline): Benign/Likely benign. Review status: criteria provided, multiple submitters, no conflicts (2 of 4 stars). 3 submissions from 3 submitters: Benign (1); Likely benign (2). Last evaluated 2026-01-12.

Conditions:
Neuronal ceroid lipofuscinosis. Also called: Neuronal Ceroid Lipofuscinoses. Identifiers: Orphanet 216, Orphanet 79263, MedGen C0027877, MONDO:0016295. Disease mechanism: loss of function.

Allele frequency attached by ClinVar (database versions not stated): gnomAD below 0.00001 and 0.00004; TOPMed 0.00003; ESP Exome Variant Server 0.00008; gnomAD exomes 0.00012 and 0.00020; ExAC 0.00019; 1000 Genomes Project 0.00020; 1000 Genomes Project 30x 0.00031.
gnomAD v4.1: 188 of 1,613,998 alleles (0.012%); highest among the groups gnomAD compares: South Asian, 0.18%; 1 homozygote.

Submissions (3):

Labcorp Genetics (formerly Invitae), Labcorp
Classification: Likely benign for Neuronal ceroid lipofuscinosis. Last evaluated: 2026-01-12. Review status: criteria provided, single submitter. Criteria: Invitae Variant Classification Sherloc (09022015). Collection method: clinical testing. Allele origin: germline.

Blueprint Genetics
Classification: Likely benign. Last evaluated: 2024-03-05. Review status: criteria provided, single submitter. Criteria: ACMG Guidelines, 2015. Collection method: clinical testing. Allele origin: germline.

GeneDx
Classification: Benign. Last evaluated: 2015-06-23. Review status: criteria provided, single submitter. Criteria: GeneDx Variant Classification (06012015). Collection method: clinical testing. Allele origin: germline. Affected: yes.
Comment: This variant is considered likely benign or benign based on one or more of the following criteria: it is a conservative change, it occurs at a poorly conserved position in the protein, it is predicted to be benign by multiple in silico algorithms, and/or has population frequency not consistent with disease.